The following is an entry in ClinVar:

NM_001164508.2(NEB):c.20367+16G>C

Gene: NEB (nebulin; minus strand). Cytogenetic location: 2q23.3.
Variant type: single nucleotide variant.
Coding change: c.20367+16G>C on transcript NM_001164508.2 (MANE Select); 16 bases into the intron after coding-DNA position 20367, G replaced by C.
Molecular consequence: intron variant.
Genome position (GRCh38, 1-based): chr2:151,547,413, C>G on the plus strand (G>C on the coding strand, the complement: NEB is on the minus strand). VCF-style: chr2-151547413-C-G. GRCh37 (hg19) VCF-style: chr2-152403927-C-G.
Other names: c.15264+16G>C (NM_004543.5); c.20367+16G>C (NM_001164507.2, NM_001271208.2).
Identifiers: ClinVar variation 517692 (VCV000517692.11), dbSNP rs145636096, ClinGen allele CA1907332.

ClinVar aggregate classification (germline): Benign/Likely benign. Review status: criteria provided, multiple submitters, no conflicts (2 of 4 stars). 4 submissions from 4 submitters: Benign (1); Likely benign (3). Last evaluated 2026-01-30.

Conditions:
Nemaline myopathy 2 (NEM2). Also called: Nemaline myopathy 2, autosomal recessive. Identifiers: MedGen C1850569, MONDO:0009725, OMIM 256030.

Allele frequency attached by ClinVar (database versions not stated): gnomAD 0.00058 and 0.00076; TOPMed 0.00149; gnomAD exomes 0.00162; ExAC 0.00293; 1000 Genomes Project 30x 0.00375; 1000 Genomes Project 0.00379.
gnomAD v4.1: 867 of 1,562,950 alleles (0.055%); highest among the groups gnomAD compares: East Asian, 1.5%; 10 homozygotes.

Submissions (4):

Labcorp Genetics (formerly Invitae), Labcorp
Classification: Benign for Nemaline myopathy 2. Last evaluated: 2026-01-30. Review status: criteria provided, single submitter. Criteria: Invitae Variant Classification Sherloc (09022015). Collection method: clinical testing. Allele origin: germline.

Blueprint Genetics
Classification: Likely benign. Last evaluated: 2024-11-14. Review status: criteria provided, single submitter. Criteria: ACMG Guidelines, 2015. Collection method: clinical testing. Allele origin: germline.

GeneDx
Classification: Likely benign. Last evaluated: 2017-10-03. Review status: criteria provided, single submitter. Criteria: GeneDx Variant Classification (06012015). Collection method: clinical testing. Allele origin: germline. Affected: yes.
Comment: This variant is considered likely benign or benign based on one or more of the following criteria: it is a conservative change, it occurs at a poorly conserved position in the protein, it is predicted to be benign by multiple in silico algorithms, and/or has population frequency not consistent with disease.

Breakthrough Genomics
Classification: Likely benign. Review status: criteria provided, single submitter. Criteria: ACMG Guidelines, 2015. Collection method: not provided. Allele origin: germline. Inheritance: Autosomal recessive inheritance. Affected: yes.